The following is an entry in ClinVar:

ClinVar aggregate classification (germline): Likely benign. Review status: criteria provided, multiple submitters, no conflicts (2 of 4 stars). 2 submissions from 2 submitters: Likely benign (2). Last evaluated 2025-12-04.

Conditions:
EGR2-related disorder. Also called: EGR2-related condition.
Charcot-Marie-Tooth disease, type I (CMT1). Also called: Charcot-Marie-Tooth, Type 1; Charcot-Marie-Tooth disease type 1. Identifiers: Orphanet 65753, MedGen C0751036, MONDO:0019011.

Allele frequency attached by ClinVar (database versions not stated): TOPMed below 0.00001; ExAC 0.00001; gnomAD 0.00001; gnomAD exomes 0.00001.

Submissions (2):

PreventionGenetics, part of Exact Sciences
Classification: Likely benign for EGR2-related condition. Last evaluated: 2025-12-04. Review status: criteria provided, single submitter. Criteria: ACMG Guidelines, 2015. Collection method: clinical testing. Allele origin: germline.
Comment: This variant is classified as likely benign based on ACMG/AMP sequence variant interpretation guidelines (Richards et al. 2015 PMID: 25741868, with internal and published modifications).

Labcorp Genetics (formerly Invitae), Labcorp
Classification: Likely benign for Charcot-Marie-Tooth disease, type I. Last evaluated: 2022-08-13. Review status: criteria provided, single submitter. Criteria: Invitae Variant Classification Sherloc (09022015). Collection method: clinical testing. Allele origin: germline.

NM_000399.5(EGR2):c.766C>T (p.Leu256=)

Gene: EGR2 (early growth response 2; minus strand). Cytogenetic location: 10q21.3.
Variant type: single nucleotide variant.
Coding change: c.766C>T on transcript NM_000399.5 (MANE Select); coding-DNA position 766, C replaced by T.
Protein change: p.Leu256=; no amino-acid change (leucine 256 retained).
Molecular consequence: synonymous variant.
Genome position (GRCh38, 1-based): chr10:62,813,872, G>A on the plus strand (C>T on the coding strand, the complement: EGR2 is on the minus strand). VCF-style: chr10-62813872-G-A. GRCh37 (hg19) VCF-style: chr10-64573632-G-A.
Other names: c.766C>T, p.Leu256= (NM_001136177.3, NM_001136178.2); c.616C>T, p.Leu206= (NM_001136179.3, NM_001321037.2); c.805C>T, p.Leu269= (NM_001410931.1); c.766C>T (NM_000399.4).
Identifiers: ClinVar variation 2191576 (VCV002191576.5), dbSNP rs747371531, ClinGen allele CA5517231.
Genomic context (GRCh38, chr10:62,813,872, plus strand): 5'-GGCCCCCCAGGGTAAAGTTACGGATTGTAGAGAGTGGAGTGAGTGGAGGGGGCACCCGCA[G>A]GGTGTCCAGTGGGCAGGGAAAGGGCTTACGGTCTGGGCCAGCTGTACCATGTAGGTCTCT-3'
Protein context (NP_000390.2, residues 246-266): RKPFPCPLDT[Leu256=]RVPPPLTPLS